The following is an entry in ClinVar:

ClinVar aggregate classification (germline): Uncertain significance (1 of 4 stars; one submission).

Conditions:
Combined immunodeficiency due to LRBA deficiency. Also called: Common variable immunodeficiency 8, with autoimmunity. Identifiers: Orphanet 445018, MedGen C3553512, MONDO:0013863, OMIM 614700.

Allele frequency attached by ClinVar (database versions not stated): TOPMed 0.00002.
gnomAD v4.1: 3 of 1,614,002 alleles (0.00019%); highest among the groups gnomAD compares: African/African-American, 0.0027%; no homozygotes.

Submission:

Labcorp Genetics (formerly Invitae), Labcorp
Classification: Uncertain significance for Combined immunodeficiency due to LRBA deficiency. Last evaluated: 2020-01-10. Review status: criteria provided, single submitter. Criteria: Invitae Variant Classification Sherloc (09022015). Collection method: clinical testing. Allele origin: germline.
Comment: This sequence change replaces alanine with serine at codon 1250 of the LRBA protein (p.Ala1250Ser). The alanine residue is weakly conserved and there is a moderate physicochemical difference between alanine and serine. This variant is not present in population databases (ExAC no frequency). This variant has not been reported in the literature in individuals with LRBA-related conditions. In summary, the available evidence is currently insufficient to determine the role of this variant in disease. Therefore, it has been classified as a Variant of Uncertain Significance. Algorithms developed to predict the effect of missense changes on protein structure and function are either unavailable or do not agree on the potential impact of this missense change (SIFT: "Deleterious"; PolyPhen-2: "Benign"; Align-GVGD: "Class C0").

NM_001364905.1(LRBA):c.3748G>T (p.Ala1250Ser)

Gene: LRBA (LPS responsive beige-like anchor protein; minus strand). Cytogenetic location: 4q31.3.
Variant type: single nucleotide variant.
Coding change: c.3748G>T on transcript NM_001364905.1 (MANE Select); coding-DNA position 3748, G replaced by T.
Protein change: p.Ala1250Ser; replaces alanine 1250 with serine.
Molecular consequence: missense variant.
Genome position (GRCh38, 1-based): chr4:150,851,962, C>A on the plus strand (G>T on the coding strand, the complement: LRBA is on the minus strand). VCF-style: chr4-150851962-C-A. GRCh37 (hg19) VCF-style: chr4-151773114-C-A.
Other names: c.3748G>T, p.Ala1250Ser (NM_001199282.3, NM_001367550.1, NM_006726.5); short protein forms A1250S.
Identifiers: ClinVar variation 964409 (VCV000964409.9), dbSNP rs146423687, ClinGen allele CA107813829.